The following is an entry in ClinVar:

ClinVar aggregate classification (germline): Likely benign (1 of 4 stars; one submission).

Allele frequency attached by ClinVar (database versions not stated): ESP Exome Variant Server 0.00008.

Submission:

CeGaT Center for Human Genetics Tuebingen
Classification: Likely benign. Last evaluated: 2023-01-01. Review status: criteria provided, single submitter. Criteria: CeGaT Center For Human Genetics Tuebingen Variant Classification Criteria Version 2. Collection method: clinical testing. Allele origin: germline. Affected: yes. Observed: 1 variant allele.
Comment: TUBG1: PM2:Supporting, BP4, BP7

NM_001070.5(TUBG1):c.468G>A (p.Arg156=)

Gene: TUBG1 (tubulin gamma 1; plus strand). Cytogenetic location: 17q21.2.
Variant type: single nucleotide variant.
Coding change: c.468G>A on transcript NM_001070.5 (MANE Select); coding-DNA position 468, G replaced by A.
Protein change: p.Arg156=; no amino-acid change (arginine 156 retained).
Molecular consequence: synonymous variant.
Genome position (GRCh38, 1-based): chr17:42,612,495, G>A. VCF-style: chr17-42612495-G-A. GRCh37 (hg19) VCF-style: chr17-40764513-G-A.
Identifiers: ClinVar variation 2647793 (VCV002647793.24), dbSNP rs139838601, ClinGen allele CA290799019.